The following is an entry in ClinVar:

NM_001330574.2(ZNF711):c.*632A>G

Gene: ZNF711 (ZFX family zinc finger ZNF711; plus strand). Cytogenetic location: Xq21.1.
Variant type: single nucleotide variant.
Coding change: c.*632A>G on transcript NM_001330574.2 (MANE Select); 632 bases downstream of the stop codon, A replaced by G.
Molecular consequence: 3 prime UTR variant.
Genome position (GRCh38, 1-based): chrX:85,272,460, A>G. VCF-style: chrX-85272460-A-G. GRCh37 (hg19) VCF-style: chrX-84527466-A-G.
Other names: c.*632A>G (NM_021998.5).
Identifiers: ClinVar variation 368755 (VCV000368755.7), dbSNP rs6653049, ClinGen allele CA10652099.

ClinVar aggregate classification (germline): Benign. Review status: criteria provided, multiple submitters, no conflicts (2 of 4 stars). 2 submissions from 2 submitters: Benign (2). Last evaluated 2017-04-27.

Conditions:
Intellectual developmental disorder, X-linked 97. Also called: Intellectual disability, X-linked 97. Identifiers: Orphanet 777, MedGen C2749020, MONDO:0010430, OMIM 300803.

Allele frequency attached by ClinVar (database versions not stated): gnomAD 0.22070 and 0.21747; 1000 Genomes Project 30x 0.23184; TOPMed 0.21925; gnomAD exomes 0.22478; 1000 Genomes Project 0.23338.
gnomAD v4.1: 24,091 of 111,530 alleles (22%); highest among the groups gnomAD compares: African/African-American, 40%; 2,460 homozygotes.

Submissions (2):

Illumina Laboratory Services, Illumina
Classification: Benign for Intellectual developmental disorder, X-linked 97. Last evaluated: 2017-04-27. Review status: criteria provided, single submitter. Criteria: ICSL Variant Classification Criteria 13 December 2019. Collection method: clinical testing. Allele origin: germline.
Comment: This variant was observed as part of a predisposition screen in an ostensibly healthy population. A literature search was performed for the gene, cDNA change, and amino acid change (where applicable). No publications were found based on this search. Allele frequency data from public databases was too high to be consistent with this variant causing disease. Therefore, this variant is classified as benign.

Breakthrough Genomics
Classification: Benign. Review status: criteria provided, single submitter. Criteria: ACMG Guidelines, 2015. Collection method: not provided. Allele origin: germline. Inheritance: X-linked inheritance. Affected: yes.